The following is an entry in ClinVar:

NM_001371623.1(TCOF1):c.3979G>A (p.Glu1327Lys)

Gene: TCOF1 (treacle ribosome biogenesis factor 1; plus strand). Cytogenetic location: 5q32.
Variant type: single nucleotide variant.
Coding change: c.3979G>A on transcript NM_001371623.1 (MANE Select); coding-DNA position 3979, G replaced by A.
Protein change: p.Glu1327Lys; replaces glutamic acid 1327 with lysine.
Molecular consequence: missense variant.
Genome position (GRCh38, 1-based): chr5:150,396,476, G>A. VCF-style: chr5-150396476-G-A. GRCh37 (hg19) VCF-style: chr5-149776039-G-A.
Other names: c.3745G>A, p.Glu1249Lys (NM_000356.4); c.3976G>A, p.Glu1326Lys (NM_001135243.2); c.3865G>A, p.Glu1289Lys (NM_001135244.2); c.3748G>A, p.Glu1250Lys (NM_001135245.2); c.3862G>A, p.Glu1288Lys (NM_001195141.2); short protein forms E1250K, E1288K, E1327K, E1326K, E1289K, E1249K.
Identifiers: ClinVar variation 2776312 (VCV002776312.3), dbSNP rs1385637906, ClinGen allele CA361741980.

ClinVar aggregate classification (germline): Uncertain significance (1 of 4 stars; one submission).

Conditions:
Treacher Collins syndrome 1 (TCS1). Also called: TCOF1-Related Treacher Collins Syndrome. Identifiers: Orphanet 861, MedGen CN315775, MONDO:0007944, OMIM 154500.

Submission:

Labcorp Genetics (formerly Invitae), Labcorp
Classification: Uncertain significance for Treacher Collins syndrome 1. Last evaluated: 2022-12-27. Review status: criteria provided, single submitter. Criteria: Invitae Variant Classification Sherloc (09022015). Collection method: clinical testing. Allele origin: germline.
Comment: In summary, the available evidence is currently insufficient to determine the role of this variant in disease. Therefore, it has been classified as a Variant of Uncertain Significance. Algorithms developed to predict the effect of missense changes on protein structure and function output the following: SIFT: "Deleterious"; PolyPhen-2: "Possibly Damaging"; Align-GVGD: "Class C0". The lysine amino acid residue is found in multiple mammalian species, which suggests that this missense change does not adversely affect protein function. This variant has not been reported in the literature in individuals affected with TCOF1-related conditions. This variant is not present in population databases (gnomAD no frequency). This sequence change replaces glutamic acid, which is acidic and polar, with lysine, which is basic and polar, at codon 1326 of the TCOF1 protein (p.Glu1326Lys).